The following is an entry in ClinVar:

NM_004415.4(DSP):c.2156T>C (p.Ile719Thr)

Gene: DSP (desmoplakin; plus strand). Cytogenetic location: 6p24.3.
Variant type: single nucleotide variant.
Coding change: c.2156T>C on transcript NM_004415.4 (MANE Select); coding-DNA position 2156, T replaced by C.
Protein change: p.Ile719Thr; replaces isoleucine 719 with threonine.
Molecular consequence: missense variant.
Genome position (GRCh38, 1-based): chr6:7,574,111, T>C. VCF-style: chr6-7574111-T-C. GRCh37 (hg19) VCF-style: chr6-7574344-T-C.
Other names: c.2156T>C, p.Ile719Thr (NM_001008844.3, NM_001319034.2); short protein forms I719T.
Identifiers: ClinVar variation 2923203 (VCV002923203.4), dbSNP rs753970789, ClinGen allele CA032055.

ClinVar aggregate classification (germline): Conflicting classifications of pathogenicity. Review status: criteria provided, conflicting classifications (1 of 4 stars). 2 submissions from 2 submitters: Uncertain significance (1); Likely benign (1). Last evaluated 2023-11-02.

Conditions:
Arrhythmogenic cardiomyopathy with wooly hair and keratoderma. Also called: Dilated cardiomyopathy with woolly hair and keratoderma; Arrhythmogenic cardiomyopathy with woolly hair and keratoderma; PALMOPLANTAR KERATODERMA WITH LEFT VENTRICULAR CARDIOMYOPATHY AND WOOLLY HAIR; Carvajal syndrome. Identifiers: Orphanet 65282, MedGen C1854063, MONDO:0011581, OMIM 605676.
Arrhythmogenic right ventricular dysplasia 8 (ARVD8). Also called: Arrhythmogenic Right Ventricular Dysplasia/Cardiomyopathy 8; ARRHYTHMOGENIC RIGHT VENTRICULAR DYSPLASIA, FAMILIAL, 8; ARRHYTHMOGENIC RIGHT VENTRICULAR CARDIOMYOPATHY 8. Identifiers: MedGen C1843896, MONDO:0011831, OMIM 607450.

Allele frequency attached by ClinVar (database versions not stated): gnomAD exomes below 0.00001; TOPMed below 0.00001; ExAC 0.00001.
gnomAD v4.1: 1 of 1,614,144 alleles (0.000062%); highest among the groups gnomAD compares: African/African-American, 0.0013%; no homozygotes.

Submissions (2):

All of Us Research Program, National Institutes of Health
Classification: Uncertain significance for Arrhythmogenic cardiomyopathy with wooly hair and keratoderma. Last evaluated: 2023-11-02. Review status: criteria provided, single submitter. Criteria: ACMG Guidelines, 2015. Collection method: clinical testing. Allele origin: germline. Inheritance: Autosomal dominant inheritance. Observed: 1 variant allele, 1 heterozygote.
Comment: This missense variant replaces isoleucine with threonine at codon 719 of the DSP protein. Computational prediction suggests that this variant may not impact protein structure and function (internally defined REVEL score threshold <= 0.5, PMID: 27666373). To our knowledge, functional studies have not been reported for this variant. This variant has not been reported in individuals affected with DSP-related disorders in the literature. This variant has been identified in 1/251326 chromosomes in the general population by the Genome Aggregation Database (gnomAD). The available evidence is insufficient to determine the role of this variant in disease conclusively. Therefore, this variant is classified as a Variant of Uncertain Significance.

This study involves interpretation of variants in research participants for the purpose of population health screening. Participant phenotype was not available at the time of variant classification. Additional details can be found in publication PMID: 35346344, PMCID: PMC8962531

Labcorp Genetics (formerly Invitae), Labcorp
Classification: Likely benign for Arrhythmogenic cardiomyopathy with wooly hair and keratoderma; Arrhythmogenic right ventricular dysplasia 8. Last evaluated: 2023-09-17. Review status: criteria provided, single submitter. Criteria: Invitae Variant Classification Sherloc (09022015). Collection method: clinical testing. Allele origin: germline.